The following is an entry in ClinVar:

NM_001128126.3(AP4S1):c.139-110A>G

Gene: AP4S1 (adaptor related protein complex 4 subunit sigma 1; plus strand). Cytogenetic location: 14q12.
Variant type: single nucleotide variant.
Coding change: c.139-110A>G on transcript NM_001128126.3 (MANE Select); 110 bases into the intron before coding-DNA position 139, A replaced by G.
Molecular consequence: intron variant.
Genome position (GRCh38, 1-based): chr14:31,069,733, A>G. VCF-style: chr14-31069733-A-G. GRCh37 (hg19) VCF-style: chr14-31538939-A-G.
Other names: c.139-110A>G (NM_001254729.2, NM_001254727.2, NM_007077.5 and 2 more transcripts).
Identifiers: ClinVar variation 678006 (VCV000678006.5), dbSNP rs7150619, ClinGen allele CA14028267.

ClinVar aggregate classification (germline): Benign. Review status: criteria provided, multiple submitters, no conflicts (2 of 4 stars). 3 submissions from 3 submitters: Benign (3). Last evaluated 2021-07-14.

Conditions:
Hereditary spastic paraplegia 52 (SPG52). Also called: CEREBRAL PALSY, SPASTIC QUADRIPLEGIC, 6; SPASTIC PARAPLEGIA 52, AUTOSOMAL RECESSIVE. Identifiers: Orphanet 280763, MedGen C3279743, MONDO:0013552, OMIM 614067.

Allele frequency attached by ClinVar (database versions not stated): 1000 Genomes Project 0.41693; 1000 Genomes Project 30x 0.41911; gnomAD 0.45988 and 0.46271; TOPMed 0.47279.

Submissions (3):

Genome-Nilou Lab
Classification: Benign for Hereditary spastic paraplegia 52. Last evaluated: 2021-07-14. Review status: criteria provided, single submitter. Criteria: ACMG Guidelines, 2015. Collection method: clinical testing. Allele origin: germline. Affected: no.

GeneDx
Classification: Benign. Last evaluated: 2018-06-14. Review status: criteria provided, single submitter. Criteria: GeneDx Variant Classification (06012015). Collection method: clinical testing. Allele origin: germline. Affected: yes.
Comment: This variant is considered likely benign or benign based on one or more of the following criteria: it is a conservative change, it occurs at a poorly conserved position in the protein, it is predicted to be benign by multiple in silico algorithms, and/or has population frequency not consistent with disease.

Breakthrough Genomics
Classification: Benign. Review status: criteria provided, single submitter. Criteria: ACMG Guidelines, 2015. Collection method: not provided. Allele origin: germline. Inheritance: Autosomal recessive inheritance. Affected: yes.